The following is an entry in ClinVar:

ClinVar aggregate classification (germline): Uncertain significance (1 of 4 stars; one submission).

Allele frequency attached by ClinVar (database versions not stated): TOPMed 0.00001.

Submission:

Labcorp Genetics (formerly Invitae), Labcorp
Classification: Uncertain significance. Last evaluated: 2024-01-01. Review status: criteria provided, single submitter. Criteria: Invitae Variant Classification Sherloc (09022015). Collection method: clinical testing. Allele origin: germline.
Comment: This sequence change replaces arginine, which is basic and polar, with cysteine, which is neutral and slightly polar, at codon 159 of the NEFH protein (p.Arg159Cys). The frequency data for this variant in the population databases is considered unreliable, as metrics indicate poor data quality at this position in the gnomAD database. This variant has not been reported in the literature in individuals affected with NEFH-related conditions. ClinVar contains an entry for this variant (Variation ID: 1936360). Advanced modeling of protein sequence and biophysical properties (such as structural, functional, and spatial information, amino acid conservation, physicochemical variation, residue mobility, and thermodynamic stability) performed at Invitae indicates that this missense variant is not expected to disrupt NEFH protein function with a negative predictive value of 95%. In summary, the available evidence is currently insufficient to determine the role of this variant in disease. Therefore, it has been classified as a Variant of Uncertain Significance.

NM_021076.4(NEFH):c.475C>T (p.Arg159Cys)

Gene: NEFH (neurofilament heavy chain; plus strand). Cytogenetic location: 22q12.2.
Variant type: single nucleotide variant.
Coding change: c.475C>T on transcript NM_021076.4 (MANE Select); coding-DNA position 475, C replaced by T.
Protein change: p.Arg159Cys; replaces arginine 159 with cysteine.
Molecular consequence: missense variant.
Genome position (GRCh38, 1-based): chr22:29,480,737, C>T. VCF-style: chr22-29480737-C-T. GRCh37 (hg19) VCF-style: chr22-29876726-C-T.
Other names: short protein forms R159C.
Identifiers: ClinVar variation 1936360 (VCV001936360.5), dbSNP rs1447365471, ClinGen allele CA411122933.